The following is an entry in ClinVar:

ClinVar aggregate classification (germline): Uncertain significance (1 of 4 stars; one submission).

Conditions:
Congenital heart defects, dysmorphic facial features, and intellectual developmental disorder (CHDFIDD). Identifiers: Orphanet 646278, MedGen C4479246, MONDO:0044302, OMIM 617360.

Submission:

Dasa
Classification: Uncertain significance for Congenital heart defects, dysmorphic facial features, and intellectual developmental disorder. Last evaluated: 2026-01-28. Review status: criteria provided, single submitter. Criteria: DASA Assertion Criteria. Collection method: clinical testing. Allele origin: germline.
Comment: NM_003718.5(CDK13):c.2654T>A (p.Leu885Gln) is a missense variant that results in the substitution of leucine with glutamine. The affected residue or protein region has prior evidence supporting clinical relevance. This variant is absent from population databases. Computational prediction algorithms are consistent with a deleterious effect. The currently available literature and clinical evidence are not sufficient to establish a definitive association between this variant and the reported condition. Therefore, this variant is classified as a variant of uncertain significance.

NM_003718.5(CDK13):c.2654T>A (p.Leu885Gln)

Gene: CDK13 (cyclin dependent kinase 13; plus strand). Cytogenetic location: 7p14.1.
Variant type: single nucleotide variant.
Coding change: c.2654T>A on transcript NM_003718.5 (MANE Select); coding-DNA position 2654, T replaced by A.
Protein change: p.Leu885Gln; replaces leucine 885 with glutamine.
Molecular consequence: missense variant.
Genome position (GRCh38, 1-based): chr7:40,062,879, T>A. VCF-style: chr7-40062879-T-A. GRCh37 (hg19) VCF-style: chr7-40102478-T-A.
Other names: c.2654T>A, p.Leu885Gln (NM_031267.4); short protein forms L885Q.
Identifiers: ClinVar variation 4881268 (VCV004881268.2).